The following is an entry in ClinVar:

NM_025132.4(WDR19):c.890+1G>T

Gene: WDR19 (WD repeat domain 19; plus strand). Cytogenetic location: 4p14.
Variant type: single nucleotide variant.
Coding change: c.890+1G>T on transcript NM_025132.4 (MANE Select); the canonical splice donor site of the intron after coding-DNA position 890, G replaced by T.
Molecular consequence: splice donor variant.
Genome position (GRCh38, 1-based): chr4:39,205,737, G>T. VCF-style: chr4-39205737-G-T. GRCh37 (hg19) VCF-style: chr4-39207357-G-T.
Other names: c.410+1G>T (NM_001317924.2).
Identifiers: ClinVar variation 1489879 (VCV001489879.6), dbSNP rs1338996032, ClinGen allele CA356634597.
Genomic context (GRCh38, chr4:39,205,737, plus strand): 5'-TCTAACCAGCATTGCAGTATCACAGACTCTTAACAAAGTTGCTACATGTGGAGATAACTG[G>T]TAAGTTATTTTCACATATTTTTAGGAAAGCTTATATAGTAAATACTTAAGTGAATCAGCC-3'

ClinVar aggregate classification (germline): Likely pathogenic (1 of 4 stars; one submission).

Conditions:
Asphyxiating thoracic dystrophy 5 (SRTD5). Also called: SHORT-RIB THORACIC DYSPLASIA 5 WITH OR WITHOUT POLYDACTYLY; SHORT-RIB THORACIC DYSPLASIA 5 WITHOUT POLYDACTYLY. Identifiers: Orphanet 474, MedGen C3280598, MONDO:0013717, OMIM 614376.
Senior-Loken syndrome 8 (SLSN8). Identifiers: Orphanet 3156, MedGen C4225376, MONDO:0014579, OMIM 616307.

Allele frequency attached by ClinVar (database versions not stated): gnomAD exomes below 0.00001; gnomAD 0.00001; TOPMed 0.00001.
gnomAD v4.1: 2 of 1,589,560 alleles (0.00013%); highest among the groups gnomAD compares: Non-Finnish European, 0.00017%; no homozygotes.

Submission:

Labcorp Genetics (formerly Invitae), Labcorp
Classification: Likely pathogenic for Senior-Loken syndrome 8; Asphyxiating thoracic dystrophy 5. Last evaluated: 2024-03-26. Review status: criteria provided, single submitter. Criteria: Invitae Variant Classification Sherloc (09022015). Collection method: clinical testing. Allele origin: germline.
Comment: This sequence change affects a donor splice site in intron 9 of the WDR19 gene. It is expected to disrupt RNA splicing. Variants that disrupt the donor or acceptor splice site typically lead to a loss of protein function (PMID: 16199547), and loss-of-function variants in WDR19 are known to be pathogenic (PMID: 22019273, 23559409, 23683095, 26275793, 27241786, 29068549). This variant is not present in population databases (gnomAD no frequency). This variant has not been reported in the literature in individuals affected with WDR19-related conditions. ClinVar contains an entry for this variant (Variation ID: 1489879). Algorithms developed to predict the effect of sequence changes on RNA splicing suggest that this variant may disrupt the consensus splice site. In summary, the currently available evidence indicates that the variant is pathogenic, but additional data are needed to prove that conclusively. Therefore, this variant has been classified as Likely Pathogenic.

Literature cited by the submitters: PubMed 16199547; PubMed 22019273; PubMed 23559409; PubMed 23683095; PubMed 26275793; PubMed 27241786; PubMed 29068549.